The following is an entry in ClinVar:

NM_000441.2(SLC26A4):c.749T>C (p.Val250Ala)

Gene: SLC26A4 (solute carrier family 26 member 4; plus strand). Cytogenetic location: 7q22.3.
Variant type: single nucleotide variant.
Coding change: c.749T>C on transcript NM_000441.2 (MANE Select); coding-DNA position 749, T replaced by C.
Protein change: p.Val250Ala; replaces valine 250 with alanine.
Molecular consequence: missense variant.
Genome position (GRCh38, 1-based): chr7:107,675,093, T>C. VCF-style: chr7-107675093-T-C. GRCh37 (hg19) VCF-style: chr7-107315538-T-C.
Other names: c.749T>C (NM_000441.1); short protein forms V250A.
Identifiers: ClinVar variation 4873564 (VCV004873564.3).

ClinVar aggregate classification (germline): Uncertain significance. Review status: criteria provided, multiple submitters, no conflicts (2 of 4 stars). 2 submissions from 2 submitters: Uncertain significance (2). Last evaluated 2026-05-17.

Conditions:
SLC26A4-related disorder. Also called: SLC26A4-related condition; SLC26A4-related disorders.

gnomAD v4.1: 4 of 1,610,976 alleles (0.00025%); no homozygotes.

Submissions (2):

PreventionGenetics, part of Exact Sciences
Classification: Uncertain significance for SLC26A4-related condition. Last evaluated: 2026-05-17. Review status: criteria provided, single submitter. Criteria: ACMG Guidelines, 2015. Collection method: clinical testing. Allele origin: germline.
Comment: The SLC26A4 c.749T>C variant is predicted to result in the amino acid substitution p.Val250Ala. This variant was reported in the heterozygous state without a second potentially causative variant in an individual with hearing loss (Dai et al. 2009. PubMed ID: 19509082). This variant has not been reported in a large population database (gnomAD), indicating this variant is rare. At this time, the clinical significance of this variant is uncertain due to the absence of conclusive functional and genetic evidence.

CeGaT Center for Human Genetics Tuebingen
Classification: Uncertain significance. Last evaluated: 2026-05-01. Review status: criteria provided, single submitter. Criteria: CeGaT Center For Human Genetics Tuebingen Variant Classification Criteria Version 2. Collection method: clinical testing. Allele origin: germline. Affected: yes. Observed: 1 variant allele.
Comment: SLC26A4: PM2